The following is an entry in ClinVar:

ClinVar aggregate classification (germline): Pathogenic (1 of 4 stars; one submission).

Submission:

Labcorp Genetics (formerly Invitae), Labcorp
Classification: Pathogenic. Last evaluated: 2019-12-13. Review status: criteria provided, single submitter. Criteria: Invitae Variant Classification Sherloc (09022015). Collection method: clinical testing. Allele origin: germline.
Comment: This sequence change results in a premature translational stop signal in the NPHS2 gene (p.Glu310*). While this is not anticipated to result in nonsense mediated decay, it is expected to disrupt the last 74 amino acids of the NPHS2 protein. This variant is not present in population databases (ExAC no frequency). This variant has not been reported in the literature in individuals with NPHS2-related conditions. This variant disrupts the C-terminus of the NPHS2 protein. Other variant(s) that disrupt this region (p.Phe344Leufs*4) have been determined to be pathogenic (PMID: 23515051, 29660491, Invitae). This suggests that variants that disrupt this region of the protein are likely to be causative of disease. For these reasons, this variant has been classified as Pathogenic.

Literature cited by the submitters: PubMed 23515051; PubMed 29660491.

NM_014625.4(NPHS2):c.928G>T (p.Glu310Ter)

Genes: NPHS2 (NPHS2 stomatin family member, podocin; minus strand), AXDND1 (axonemal dynein light chain domain containing 1; plus strand). Cytogenetic location: 1q25.2.
Variant type: single nucleotide variant.
Coding change: c.928G>T on transcript NM_014625.4 (MANE Select); coding-DNA position 928, G replaced by T.
Protein change: p.Glu310Ter; replaces glutamic acid 310 with a stop codon.
Molecular consequence: nonsense. On other transcripts: intron variant (1).
Genome position (GRCh38, 1-based): chr1:179,551,397, C>A on the plus strand (G>T on the coding strand, the complement: NPHS2 is on the minus strand). VCF-style: chr1-179551397-C-A. GRCh37 (hg19) VCF-style: chr1-179520532-C-A.
Other names: c.724G>T, p.Glu242Ter (NM_001297575.2); c.3032-3115C>A (NM_144696.6); short protein forms E242*, E310*.
Identifiers: ClinVar variation 863810 (VCV000863810.8), dbSNP rs1673254835, ClinGen allele CA343565774.